The following is an entry in ClinVar:

ClinVar aggregate classification (germline): Uncertain significance (1 of 4 stars; one submission).

gnomAD v4.1: 5 of 1,604,388 alleles (0.00031%); highest among the groups gnomAD compares: African/African-American, 0.0054%; no homozygotes.

Submission:

GeneDx
Classification: Uncertain significance. Last evaluated: 2024-12-17. Review status: criteria provided, single submitter. Criteria: GeneDx Variant Classification Process June 2021. Collection method: clinical testing. Allele origin: germline. Affected: yes.
Comment: In silico analysis indicates that this missense variant does not alter protein structure/function; Has not been previously published as pathogenic or benign to our knowledge

NM_001206927.2(DNAH8):c.1028T>C (p.Phe343Ser)

Gene: DNAH8 (dynein axonemal heavy chain 8; plus strand). Cytogenetic location: 6p21.2.
Variant type: single nucleotide variant.
Coding change: c.1028T>C on transcript NM_001206927.2 (MANE Select); coding-DNA position 1028, T replaced by C.
Protein change: p.Phe343Ser; replaces phenylalanine 343 with serine.
Molecular consequence: missense variant.
Genome position (GRCh38, 1-based): chr6:38,737,884, T>C. VCF-style: chr6-38737884-T-C. GRCh37 (hg19) VCF-style: chr6-38705660-T-C.
Other names: c.377T>C, p.Phe126Ser (NM_001371.4); short protein forms F126S, F343S.
Identifiers: ClinVar variation 3906614 (VCV003906614.1).